The following is an entry in ClinVar:

NC_000022.11:g.40346424G>T

Gene: ADSL (adenylosuccinate lyase; plus strand). Cytogenetic location: 22q13.1.
Variant type: single nucleotide variant.
Genome position: GRCh38 VCF-style: chr22-40346424-G-T. GRCh37 (hg19) VCF-style: chr22-40742428-G-T.
Identifiers: ClinVar variation 2149411 (VCV002149411.5), dbSNP rs186550906, ClinGen allele CA639408324.

ClinVar aggregate classification (germline): Uncertain significance (1 of 4 stars; one submission).

Conditions:
Adenylosuccinate lyase deficiency (ADSLD). Also called: ADSL DEFICIENCY. Identifiers: Orphanet 46, MedGen C0268126, MONDO:0007068, OMIM 103050.

Submission:

Labcorp Genetics (formerly Invitae), Labcorp
Classification: Uncertain significance for Adenylosuccinate lyase deficiency. Last evaluated: 2021-12-20. Review status: criteria provided, single submitter. Criteria: Invitae Variant Classification Sherloc (09022015). Collection method: clinical testing. Allele origin: germline.
Comment: This variant occurs in a non-coding region of the ADSL gene. It does not change the encoded amino acid sequence of the ADSL protein. This variant is present in population databases (no rsID available, gnomAD 0.007%). This variant has not been reported in the literature in individuals affected with ADSL-related conditions. Experimental studies and prediction algorithms are not available or were not evaluated, and the functional significance of this variant is currently unknown. In summary, the available evidence is currently insufficient to determine the role of this variant in disease. Therefore, it has been classified as a Variant of Uncertain Significance.